The following is an entry in ClinVar:

NM_001166108.2(PALLD):c.1965-12966G>A

Gene: PALLD (palladin, cytoskeletal associated protein; plus strand). Cytogenetic location: 4q32.3.
Variant type: single nucleotide variant.
Coding change: c.1965-12966G>A on transcript NM_001166108.2 (MANE Select); 12966 bases into the intron before coding-DNA position 1965, G replaced by A.
Molecular consequence: intron variant. On other transcripts: missense variant (1).
Genome position (GRCh38, 1-based): chr4:168,877,956, G>A. VCF-style: chr4-168877956-G-A. GRCh37 (hg19) VCF-style: chr4-169799107-G-A.
Other names: c.-157-12966G>A (NM_001367568.1, NM_001367567.1, NM_001367569.1 and 1 more transcripts); c.65G>A, p.Arg22His (NM_001166110.2); c.1965-12966G>A (NM_016081.4); c.819-12966G>A (NM_001166109.2); short protein forms R22H.
Identifiers: ClinVar variation 4861560 (VCV004861560.1).

ClinVar aggregate classification (germline): Uncertain significance (1 of 4 stars; one submission).

Submission:

Ambry Genetics
Classification: Uncertain significance. Last evaluated: 2026-05-19. Review status: criteria provided, single submitter. Criteria: Ambry Variant Classification Scheme 2023. Collection method: clinical testing. Allele origin: germline.
Comment: The p.R22H variant (also known as c.65G>A), located in coding exon 1 of the PALLD gene, results from a G to A substitution at nucleotide position 65. The arginine at codon 22 is replaced by histidine, an amino acid with highly similar properties. This amino acid position is conserved. In addition, this alteration is predicted to be deleterious by in silico analysis. Based on the available evidence, the clinical significance of this variant remains unclear.